The following is an entry in ClinVar:

NC_000013.10:g.(?_23755215)_(23853627_?)del

Gene: SGCG (sarcoglycan gamma; plus strand). Cytogenetic location: 13q12.12.
Variant type: Deletion.
Identifiers: ClinVar variation 1459731 (VCV001459731.6).

ClinVar aggregate classification (germline): Pathogenic (1 of 4 stars; one submission).

Conditions:
Autosomal recessive limb-girdle muscular dystrophy type 2C (LGMDR5). Also called: MUSCULAR DYSTROPHY, DUCHENNE-LIKE; MUSCULAR DYSTROPHY, LIMB-GIRDLE, AUTOSOMAL RECESSIVE 5. Identifiers: Orphanet 353, MedGen C0410173, MONDO:0009677, OMIM 253700. Disease mechanism: Affects gamma-sarcoglycan and also disrupts the integrity of the entire sarcoglycan complex..

Submission:

Labcorp Genetics (formerly Invitae), Labcorp
Classification: Pathogenic for Autosomal recessive limb-girdle muscular dystrophy type 2C. Last evaluated: 2020-12-19. Review status: criteria provided, single submitter. Criteria: Invitae Variant Classification Sherloc (09022015). Collection method: clinical testing. Allele origin: germline.
Comment: For these reasons, this variant has been classified as Pathogenic. This variant has not been reported in the literature in individuals with SGCG-related conditions. This variant is a gross deletion of the genomic region encompassing exon(s) 2-5 of the SGCG gene, which includes the initiator codon. The 5' end of this event is unknown as it extends beyond the assayed region for this gene and therefore may encompass additional genes. The 3' boundary is likely confined to intron 5 of the SGCG gene. It is expected to result in an absent or disrupted protein product. Loss-of-function variants in SGCG are known to be pathogenic (PMID: 18285821).

Literature cited by the submitters: PubMed 18285821.